The following is an entry in ClinVar:

ClinVar aggregate classification (germline): Uncertain significance (1 of 4 stars; one submission).

Conditions:
SCAPER-related disorder. Also called: SCAPER-related condition.

Submission:

PreventionGenetics, part of Exact Sciences
Classification: Uncertain significance for SCAPER-related condition. Last evaluated: 2025-06-04. Review status: criteria provided, single submitter. Criteria: ACMG Guidelines, 2015. Collection method: clinical testing. Allele origin: germline.
Comment: The SCAPER c.4035G>T variant is predicted to result in the amino acid substitution p.Met1345Ile. To our knowledge, this variant has not been reported in the literature or in a large population database (gnomAD), indicating this variant is rare. At this time, the clinical significance of this variant is uncertain due to the absence of conclusive functional and genetic evidence.

NM_020843.4(SCAPER):c.4017G>T (p.Met1339Ile)

Gene: SCAPER (S-phase cyclin A associated protein in the ER; minus strand). Cytogenetic location: 15q24.3.
Variant type: single nucleotide variant.
Coding change: c.4017G>T on transcript NM_020843.4 (MANE Select); coding-DNA position 4017, G replaced by T.
Protein change: p.Met1339Ile; replaces methionine 1339 with isoleucine.
Molecular consequence: missense variant. On other transcripts: non-coding transcript variant (1).
Genome position (GRCh38, 1-based): chr15:76,353,979, C>A on the plus strand (G>T on the coding strand, the complement: SCAPER is on the minus strand). VCF-style: chr15-76353979-C-A. GRCh37 (hg19) VCF-style: chr15-76646320-C-A.
Other names: c.3279G>T, p.Met1093Ile (NM_001145923.2); c.4035G>T, p.Met1345Ile (NM_001353009.2); c.3615G>T, p.Met1205Ile (NM_001353010.2, NM_001353012.2); c.3633G>T, p.Met1211Ile (NM_001353011.2); short protein forms M1211I, M1345I, M1205I, M1093I, M1339I.
Identifiers: ClinVar variation 4999787 (VCV004999787.1).